The following is an entry in ClinVar:

ClinVar aggregate classification (germline): Uncertain significance (1 of 4 stars; one submission).

Conditions:
Hereditary cancer-predisposing syndrome. Also called: Hereditary Cancer Syndrome; Hereditary neoplastic syndrome; Neoplastic Syndromes, Hereditary; Tumor predisposition. Identifiers: Orphanet 140162, MedGen C0027672, MeSH D009386, MONDO:0015356.

Submission:

Ambry Genetics
Classification: Uncertain significance for Hereditary cancer-predisposing syndrome. Last evaluated: 2020-11-06. Review status: criteria provided, single submitter. Criteria: Ambry Variant Classification Scheme 2023. Collection method: clinical testing. Allele origin: germline.
Comment: The p.S1505R variant (also known as c.4515C>G), located in coding exon 15 of the APC gene, results from a C to G substitution at nucleotide position 4515. The serine at codon 1505 is replaced by arginine, an amino acid with dissimilar properties. This amino acid position is highly conserved in available vertebrate species. In addition, in silico predictors for this gene do not accurately predict pathogenicity. Since supporting evidence is limited at this time, the clinical significance of this alteration remains unclear.

NM_000038.6(APC):c.4515C>G (p.Ser1505Arg)

Gene: APC (APC regulator of Wnt signaling pathway; plus strand). Cytogenetic location: 5q22.2.
Variant type: single nucleotide variant.
Coding change: c.4515C>G on transcript NM_000038.6 (MANE Select); coding-DNA position 4515, C replaced by G.
Protein change: p.Ser1505Arg; replaces serine 1505 with arginine.
Molecular consequence: missense variant.
Genome position (GRCh38, 1-based): chr5:112,840,109, C>G. VCF-style: chr5-112840109-C-G. GRCh37 (hg19) VCF-style: chr5-112175806-C-G.
Other names: c.4515C>G, p.Ser1505Arg (NM_001127510.3, NM_001354895.2, NM_001407450.1); c.4461C>G, p.Ser1487Arg (NM_001127511.3); c.4569C>G, p.Ser1523Arg (NM_001354896.2, NM_001407447.1, NM_001407448.1 and 1 more transcripts); c.4545C>G, p.Ser1515Arg (NM_001354897.2); c.4440C>G, p.Ser1480Arg (NM_001354898.2); c.4431C>G, p.Ser1477Arg (NM_001354899.2); c.4392C>G, p.Ser1464Arg (NM_001354900.2); c.4338C>G, p.Ser1446Arg (NM_001354901.2, NM_001407453.1); and 11 more; short protein forms S1345R, S1446R, S1477R, S1498R, S1505R, S1533R, S1379R, S1404R.
Identifiers: ClinVar variation 1741156 (VCV001741156.2), dbSNP rs1217842024, ClinGen allele CA16031212.
Genomic context (GRCh38, chr5:112,840,109, plus strand): 5'-TGATACTTTATTACATTTTGCCACGGAAAGTACTCCAGATGGATTTTCTTGTTCATCCAG[C>G]CTGAGTGCTCTGAGCCTCGATGAGCCATTTATACAGAAAGATGTGGAATTAAGAATAATG-3'
Protein context (NP_000029.2, residues 1495-1515): STPDGFSCSS[Ser1505Arg]LSALSLDEPF